The following is an entry in ClinVar:

NM_016373.4(WWOX):c.414C>T (p.Phe138=)

Gene: WWOX (WW domain containing oxidoreductase; plus strand). Cytogenetic location: 16q23.1.
Variant type: single nucleotide variant.
Coding change: c.414C>T on transcript NM_016373.4 (MANE Select); coding-DNA position 414, C replaced by T.
Protein change: p.Phe138=; no amino-acid change (phenylalanine 138 retained).
Molecular consequence: synonymous variant. On other transcripts: non-coding transcript variant (1).
Genome position (GRCh38, 1-based): chr16:78,164,187, C>T. VCF-style: chr16-78164187-C-T. GRCh37 (hg19) VCF-style: chr16-78198084-C-T.
Other names: c.75C>T, p.Phe25= (NM_001291997.2); c.414C>T, p.Phe138= (NM_130791.5).
Identifiers: ClinVar variation 385470 (VCV000385470.10), dbSNP rs767693780, ClinGen allele CA8183209.

ClinVar aggregate classification (germline): Likely benign. Review status: criteria provided, multiple submitters, no conflicts (2 of 4 stars). 2 submissions from 2 submitters: Likely benign (2). Last evaluated 2024-06-22.

Conditions:
Developmental and epileptic encephalopathy, 1 (DEE1). Also called: Epileptic encephalopathy, early infantile, 1; X-linked infantile spasms; West's syndrome; Tonic spasms with clustering, arrest of psychomotor development and hypsarrhythmia on EEG; X-Linked Infantile Spasm Syndrome; OHTAHARA SYNDROME, X-LINKED. Identifiers: MedGen C3463992, MONDO:0010632, OMIM 308350. Disease mechanism: loss of function.
Autosomal recessive spinocerebellar ataxia 12. Also called: SPINOCEREBELLAR ATAXIA WITH MENTAL RETARDATION AND EPILEPSY. Identifiers: Orphanet 284282, MedGen C3280452, MONDO:0013687, OMIM 614322.

Allele frequency attached by ClinVar (database versions not stated): TOPMed 0.00001; gnomAD 0.00002; gnomAD exomes 0.00003; ExAC 0.00004.
gnomAD v4.1: 18 of 1,613,708 alleles (0.0011%); highest among the groups gnomAD compares: Admixed American, 0.0033%; no homozygotes.

Submissions (2):

Labcorp Genetics (formerly Invitae), Labcorp
Classification: Likely benign for Developmental and epileptic encephalopathy, 1; Autosomal recessive spinocerebellar ataxia 12. Last evaluated: 2024-06-22. Review status: criteria provided, single submitter. Criteria: Invitae Variant Classification Sherloc (09022015). Collection method: clinical testing. Allele origin: germline.

GeneDx
Classification: Likely benign. Last evaluated: 2016-04-20. Review status: criteria provided, single submitter. Criteria: GeneDx Variant Classification (06012015). Collection method: clinical testing. Allele origin: germline. Affected: yes.
Comment: This variant is considered likely benign or benign based on one or more of the following criteria: it is a conservative change, it occurs at a poorly conserved position in the protein, it is predicted to be benign by multiple in silico algorithms, and/or has population frequency not consistent with disease.